The following is an entry in ClinVar:

ClinVar aggregate classification (germline): Likely benign (0 of 4 stars; one submission).

Conditions:
KIF26B-related disorder. Also called: KIF26B-related condition.

gnomAD v4.1: 85 of 1,533,064 alleles (0.0055%); highest among the groups gnomAD compares: African/African-American, 0.1%; no homozygotes.

Submission:

PreventionGenetics, part of Exact Sciences
Classification: Likely benign for KIF26B-related condition. Last evaluated: 2019-07-29. Review status: no assertion criteria provided. Collection method: clinical testing. Allele origin: germline.
Comment: This variant is classified as likely benign based on ACMG/AMP sequence variant interpretation guidelines (Richards et al. 2015 PMID: 25741868, with internal and published modifications).

NM_018012.4(KIF26B):c.195C>A (p.Ser65=)

Genes: KIF26B (kinesin family member 26B; plus strand), LOC129932922 (ATAC-STARR-seq lymphoblastoid silent region 2029; plus strand). Cytogenetic location: 1q44.
Variant type: single nucleotide variant.
Coding change: c.195C>A on transcript NM_018012.4 (MANE Select); coding-DNA position 195, C replaced by A.
Protein change: p.Ser65=; no amino-acid change (serine 65 retained).
Molecular consequence: synonymous variant.
Genome position (GRCh38, 1-based): chr1:245,156,413, C>A. VCF-style: chr1-245156413-C-A. GRCh37 (hg19) VCF-style: chr1-245319715-C-A.
Identifiers: ClinVar variation 3350836 (VCV003350836.1).